The following is an entry in ClinVar:

ClinVar aggregate classification (germline): Benign. Review status: criteria provided, multiple submitters, no conflicts (2 of 4 stars). 2 submissions from 2 submitters: Benign (2). Last evaluated 2018-06-16.

Allele frequency attached by ClinVar (database versions not stated): 1000 Genomes Project 30x 0.08323; 1000 Genomes Project 0.08706; TOPMed 0.08841; gnomAD 0.10291 and 0.10634; ESP Exome Variant Server 0.10587; gnomAD exomes 0.12476 and 0.14209; ExAC 0.12855.
gnomAD v4.1: 218,874 of 1,582,092 alleles (14%); highest among the groups gnomAD compares: South Asian, 21%; 16,830 homozygotes.

Submissions (2):

GeneDx
Classification: Benign. Last evaluated: 2018-06-16. Review status: criteria provided, single submitter. Criteria: GeneDx Variant Classification (06012015). Collection method: clinical testing. Allele origin: germline. Affected: yes.
Comment: This variant is considered likely benign or benign based on one or more of the following criteria: it is a conservative change, it occurs at a poorly conserved position in the protein, it is predicted to be benign by multiple in silico algorithms, and/or has population frequency not consistent with disease.

Breakthrough Genomics
Classification: Benign. Review status: criteria provided, single submitter. Criteria: ACMG Guidelines, 2015. Collection method: not provided. Allele origin: germline. Inheritance: Autosomal recessive inheritance. Affected: yes.

NM_020247.5(COQ8A):c.1081-43G>A

Gene: COQ8A (coenzyme Q8A; plus strand). Cytogenetic location: 1q42.13.
Variant type: single nucleotide variant.
Coding change: c.1081-43G>A on transcript NM_020247.5 (MANE Select); 43 bases into the intron before coding-DNA position 1081, G replaced by A.
Molecular consequence: intron variant.
Genome position (GRCh38, 1-based): chr1:226,983,509, G>A. VCF-style: chr1-226983509-G-A. GRCh37 (hg19) VCF-style: chr1-227171210-G-A.
Identifiers: ClinVar variation 671619 (VCV000671619.2), dbSNP rs12739480, ClinGen allele CA1425295.